The following is an entry in ClinVar:

ClinVar aggregate classification (germline): Pathogenic. Review status: criteria provided, multiple submitters, no conflicts (2 of 4 stars). 2 submissions from 2 submitters: Pathogenic (2). Last evaluated 2025-08-19.

Conditions:
Familial cancer of breast. Also called: BREAST CANCER, FAMILIAL; Hereditary breast cancer; hereditary breast carcinoma. Identifiers: Orphanet 227535, MedGen C0346153, MONDO:0016419, OMIM 114480. Disease mechanism: loss of function.
Hereditary cancer-predisposing syndrome. Also called: Neoplastic Syndromes, Hereditary; Tumor predisposition; Hereditary neoplastic syndrome; Hereditary Cancer Syndrome. Identifiers: Orphanet 140162, MedGen C0027672, MeSH D009386, MONDO:0015356.

Submissions (2):

Myriad Genetics, Inc.
Classification: Pathogenic for Familial cancer of breast. Last evaluated: 2025-08-19. Review status: criteria provided, single submitter. Criteria: Myriad Autosomal Dominant, Autosomal Recessive and X-Linked Classification Criteria (2023). Collection method: clinical testing. Allele origin: unknown.
Comment: This variant is considered pathogenic. This variant creates a termination codon and is predicted to result in premature protein truncation.

Ambry Genetics
Classification: Pathogenic for Hereditary cancer-predisposing syndrome. Last evaluated: 2025-03-27. Review status: criteria provided, single submitter. Criteria: Ambry Variant Classification Scheme 2023. Collection method: clinical testing. Allele origin: germline.
Comment: The c.3755dupA pathogenic mutation, located in coding exon 25 of the ATM gene, results from a duplication of A at nucleotide position 3755, causing a translational frameshift with a predicted alternate stop codon (p.Y1252*). This alteration is expected to result in loss of function by premature protein truncation or nonsense-mediated mRNA decay. As such, this alteration is interpreted as a disease-causing mutation.

NM_000051.4(ATM):c.3755dup (p.Tyr1252Ter)

Gene: ATM (ATM serine/threonine kinase; plus strand). Cytogenetic location: 11q22.3.
Variant type: Duplication.
Coding change: c.3755dup on transcript NM_000051.4 (MANE Select); coding-DNA position 3755, one base duplicated (A; older notation c.3755dupA).
Protein change: p.Tyr1252Ter; replaces tyrosine 1252 with a stop codon.
Molecular consequence: nonsense.
Genome position (GRCh38, 1-based): chr11:108,284,235, A duplicated. VCF-style (leftmost placement, unchanged base first): chr11-108284234-T-TA. GRCh37 (hg19) VCF-style: chr11-108154961-T-TA.
Other names: c.3755dup, p.Tyr1252Ter (NM_001351834.2); short protein forms Y1252*.
Identifiers: ClinVar variation 824164 (VCV000824164.6), dbSNP rs1591645340, ClinGen allele CA915944402.